The following is an entry in ClinVar:

ClinVar aggregate classification (germline): Uncertain significance. Review status: criteria provided, multiple submitters, no conflicts (2 of 4 stars). 4 submissions from 4 submitters: Uncertain significance (4). Last evaluated 2019-10-02.

Conditions:
Microcephaly 13, primary, autosomal recessive. Identifiers: Orphanet 808, MedGen C4015080, MONDO:0014473, OMIM 616051.

Allele frequency attached by ClinVar (database versions not stated): gnomAD 0.00010 and 0.00011; TOPMed 0.00014; ExAC 0.00016; gnomAD exomes 0.00017 and 0.00019.

Submissions (4):

GeneDx
Classification: Uncertain significance. Last evaluated: 2019-10-02. Review status: criteria provided, single submitter. Criteria: GeneDx Variant Classification Process June 2021. Collection method: clinical testing. Allele origin: germline. Affected: yes.
Comment: In silico analysis, which includes protein predictors and evolutionary conservation, supports that this variant does not alter protein structure/function; Has not been previously published as pathogenic or benign to our knowledge; This variant is associated with the following publications: (PMID: 33337535)

Baylor Genetics
Classification: Uncertain significance for Microcephaly 13, primary, autosomal recessive. Last evaluated: 2018-04-03. Review status: criteria provided, single submitter. Criteria: ACMG Guidelines, 2015. Collection method: clinical testing. Allele origin: paternal. Affected: yes.
Comment: This variant was determined to be of uncertain significance according to ACMG Guidelines, 2015 [PMID:25741868].

CeGaT Center for Human Genetics Tuebingen
Classification: Uncertain significance. Last evaluated: 2017-08-01. Review status: criteria provided, single submitter. Criteria: CeGaT Center For Human Genetics Tuebingen Variant Classification Criteria Version 2. Collection method: clinical testing. Allele origin: germline. Affected: yes. Observed: 1 variant allele.

Genetic Services Laboratory, University of Chicago
Classification: Uncertain significance. Last evaluated: 2017-04-13. Review status: criteria provided, single submitter. Criteria: ACMG Guidelines, 2015. Collection method: clinical testing. Allele origin: germline. Affected: no.

NM_001813.3(CENPE):c.304C>T (p.His102Tyr)

Gene: CENPE (centromere protein E; minus strand). Cytogenetic location: 4q24.
Variant type: single nucleotide variant.
Coding change: c.304C>T on transcript NM_001813.3 (MANE Select); coding-DNA position 304, C replaced by T.
Protein change: p.His102Tyr; replaces histidine 102 with tyrosine.
Molecular consequence: missense variant.
Genome position (GRCh38, 1-based): chr4:103,195,973, G>A on the plus strand (C>T on the coding strand, the complement: CENPE is on the minus strand). VCF-style: chr4-103195973-G-A. GRCh37 (hg19) VCF-style: chr4-104117130-G-A.
Other names: c.304C>T, p.His102Tyr (NM_001286734.2); short protein forms H102Y.
Identifiers: ClinVar variation 434697 (VCV000434697.51), dbSNP rs758681737, ClinGen allele CA3030788.
Genomic context (GRCh38, chr4:103,195,973, plus strand): 5'-TACTTACCTTCTTAATTTTTTGGAAAATGTCATGAATTGCCCTGGGTATAACTCCCAAAT[G>A]ATCTTCTGAACCCATCATGGTATATGTTTTTCCTGAAGCAGTCTGTCCATAGGCAAATAT-3'
Protein context (NP_001804.2, residues 92-112): KTYTMMGSED[His102Tyr]LGVIPRAIHD